The following is an entry in ClinVar:

ClinVar aggregate classification (germline): Uncertain significance (1 of 4 stars; one submission).

Submission:

Labcorp Genetics (formerly Invitae), Labcorp
Classification: Uncertain significance. Last evaluated: 2022-07-25. Review status: criteria provided, single submitter. Criteria: Invitae Variant Classification Sherloc (09022015). Collection method: clinical testing. Allele origin: germline.
Comment: In summary, the available evidence is currently insufficient to determine the role of this variant in disease. Therefore, it has been classified as a Variant of Uncertain Significance. Algorithms developed to predict the effect of missense changes on protein structure and function output the following: SIFT: "Tolerated"; PolyPhen-2: "Benign"; Align-GVGD: "Class C0". The asparagine amino acid residue is found in multiple mammalian species, which suggests that this missense change does not adversely affect protein function. This variant has not been reported in the literature in individuals affected with POLE-related conditions. This variant is not present in population databases (gnomAD no frequency). This sequence change replaces serine, which is neutral and polar, with asparagine, which is neutral and polar, at codon 1361 of the POLE protein (p.Ser1361Asn).

NM_006231.4(POLE):c.4082G>A (p.Ser1361Asn)

Gene: POLE (DNA polymerase epsilon, catalytic subunit; minus strand). Cytogenetic location: 12q24.33.
Variant type: single nucleotide variant.
Coding change: c.4082G>A on transcript NM_006231.4 (MANE Select); coding-DNA position 4082, G replaced by A.
Protein change: p.Ser1361Asn; replaces serine 1361 with asparagine.
Molecular consequence: missense variant.
Genome position (GRCh38, 1-based): chr12:132,648,996, C>T on the plus strand (G>A on the coding strand, the complement: POLE is on the minus strand). VCF-style: chr12-132648996-C-T. GRCh37 (hg19) VCF-style: chr12-133225582-C-T.
Other names: short protein forms S1361N.
Identifiers: ClinVar variation 2157893 (VCV002157893.4), dbSNP rs2138598009, ClinGen allele CA387383786.
Genomic context (GRCh38, chr12:132,648,996, plus strand): 5'-TACGAAGCACCCTCCTCCGCTTTAGCGACTCGCTGGTTCACGTAGAACACACGGGGGATG[C>T]TCAGCCTGATGCAGTGCAAGTCACTGCCAACGAGCGCCCACAGCCTGAACAGGCCGGCCT-3'
Protein context (NP_006222.2, residues 1351-1371): VGSDLHCIRL[Ser1361Asn]IPRVFYVNQR